The following is an entry in ClinVar:

NM_005228.5(EGFR):c.2801C>A (p.Pro934His)

Gene: EGFR (epidermal growth factor receptor; plus strand). Cytogenetic location: 7p11.2.
Variant type: single nucleotide variant.
Coding change: c.2801C>A on transcript NM_005228.5 (MANE Select); coding-DNA position 2801, C replaced by A.
Protein change: p.Pro934His; replaces proline 934 with histidine.
Molecular consequence: missense variant.
Genome position (GRCh38, 1-based): chr7:55,198,816, C>A. VCF-style: chr7-55198816-C-A. GRCh37 (hg19) VCF-style: chr7-55266509-C-A.
Other names: c.2666C>A, p.Pro889His (NM_001346897.2, NM_001346899.2); c.2801C>A, p.Pro934His (NM_001346898.2); c.2642C>A, p.Pro881His (NM_001346900.2); c.2000C>A, p.Pro667His (NM_001346941.2); short protein forms P667H, P881H, P934H, P889H.
Identifiers: ClinVar variation 3843819 (VCV003843819.1).

ClinVar aggregate classification (germline): Uncertain significance (1 of 4 stars; one submission).

Conditions:
Hereditary cancer-predisposing syndrome. Also called: Hereditary neoplastic syndrome; Neoplastic Syndromes, Hereditary; Tumor predisposition; Hereditary Cancer Syndrome. Identifiers: Orphanet 140162, MedGen C0027672, MeSH D009386, MONDO:0015356.

Submission:

Ambry Genetics
Classification: Uncertain significance for Hereditary cancer-predisposing syndrome. Last evaluated: 2025-02-01. Review status: criteria provided, single submitter. Criteria: Ambry Variant Classification Scheme 2023. Collection method: clinical testing. Allele origin: germline.
Comment: The p.P934H variant (also known as c.2801C>A), located in coding exon 23 of the EGFR gene, results from a C to A substitution at nucleotide position 2801. The proline at codon 934 is replaced by histidine, an amino acid with similar properties. This amino acid position is conserved. In addition, this alteration is predicted to be deleterious by in silico analysis. Based on the available evidence, the clinical significance of this variant remains unclear.